The following is an entry in ClinVar:

ClinVar aggregate classification (germline): Uncertain significance (1 of 4 stars; one submission).

Allele frequency attached by ClinVar (database versions not stated): TOPMed 0.00001; gnomAD exomes 0.00003; ExAC 0.00005.
gnomAD v4.1: 38 of 1,613,550 alleles (0.0024%); highest among the groups gnomAD compares: Middle Eastern, 0.033%; no homozygotes.

Submission:

Labcorp Genetics (formerly Invitae), Labcorp
Classification: Uncertain significance. Last evaluated: 2022-09-01. Review status: criteria provided, single submitter. Criteria: Invitae Variant Classification Sherloc (09022015). Collection method: clinical testing. Allele origin: germline.
Comment: This sequence change replaces phenylalanine, which is neutral and non-polar, with leucine, which is neutral and non-polar, at codon 183 of the COL18A1 protein (p.Phe183Leu). This variant is present in population databases (rs779928451, gnomAD 0.01%). This variant has not been reported in the literature in individuals affected with COL18A1-related conditions. Experimental studies and prediction algorithms are not available or were not evaluated, and the functional significance of this variant is currently unknown. In summary, the available evidence is currently insufficient to determine the role of this variant in disease. Therefore, it has been classified as a Variant of Uncertain Significance.

NM_001379500.1(COL18A1):c.547T>C (p.Phe183Leu)

Gene: COL18A1 (collagen type XVIII alpha 1 chain; plus strand). Cytogenetic location: 21q22.3.
Variant type: single nucleotide variant.
Coding change: c.547T>C on transcript NM_001379500.1 (MANE Select); coding-DNA position 547, T replaced by C.
Protein change: p.Phe183Leu; replaces phenylalanine 183 with leucine.
Molecular consequence: missense variant.
Genome position (GRCh38, 1-based): chr21:45,468,682, T>C. VCF-style: chr21-45468682-T-C. GRCh37 (hg19) VCF-style: chr21-46888596-T-C.
Other names: c.1087T>C, p.Phe363Leu (NM_030582.4); c.1792T>C, p.Phe598Leu (NM_130444.3); short protein forms F183L, F598L, F363L.
Identifiers: ClinVar variation 2197044 (VCV002197044.1), dbSNP rs779928451, ClinGen allele CA10065778.